The following is an entry in ClinVar:

ClinVar aggregate classification (germline): Benign (1 of 4 stars; one submission).

Conditions:
Erythrocytosis, familial, 4 (ECYT4). Identifiers: Orphanet 247511, MedGen C2673187, MONDO:0012729, OMIM 611783.

Allele frequency attached by ClinVar (database versions not stated): 1000 Genomes Project 30x 0.00484; gnomAD 0.00591 and 0.00637; 1000 Genomes Project 0.00499; TOPMed 0.00686.

Submission:

Illumina Laboratory Services, Illumina
Classification: Benign for Erythrocytosis, familial, 4. Last evaluated: 2018-01-12. Review status: criteria provided, single submitter. Criteria: ICSL Variant Classification Criteria 13 December 2019. Collection method: clinical testing. Allele origin: germline.
Comment: This variant was observed in the ICSL laboratory as part of a predisposition screen in an ostensibly healthy population. It had not been previously curated by ICSL or reported in the Human Gene Mutation Database (HGMD: prior to June 1st, 2018), and was therefore a candidate for classification through an automated scoring system. Utilizing variant allele frequency, disease prevalence and penetrance estimates, and inheritance mode, an automated score was calculated to assess if this variant is too frequent to cause the disease. Based on the score and internal cut-off values, a variant classified as benign is not then subjected to further curation. The score for this variant resulted in a classification of benign for this disease.

NM_001430.5(EPAS1):c.*1207A>C

Gene: EPAS1 (endothelial PAS domain protein 1; plus strand). Cytogenetic location: 2p21.
Variant type: single nucleotide variant.
Coding change: c.*1207A>C on transcript NM_001430.5 (MANE Select); 1207 bases downstream of the stop codon, A replaced by C.
Molecular consequence: 3 prime UTR variant.
Genome position (GRCh38, 1-based): chr2:46,385,867, A>C. VCF-style: chr2-46385867-A-C. GRCh37 (hg19) VCF-style: chr2-46613006-A-C.
Identifiers: ClinVar variation 336307 (VCV000336307.5), dbSNP rs116816939, ClinGen allele CA10615365.